The following is an entry in ClinVar:

ClinVar aggregate classification (germline): Pathogenic (1 of 4 stars; one submission).

Conditions:
Primary ciliary dyskinesia 5. Also called: CILIARY DYSKINESIA, PRIMARY, 5, WITHOUT SITUS INVERSUS. Identifiers: Orphanet 244, MedGen C1837615, MONDO:0012088, OMIM 608647.

Submission:

The Research Institute of Tuberculosis, Japan Anti-Tuberculosis Association
Classification: Pathogenic for Primary ciliary dyskinesia 5. Last evaluated: 2026-05-28. Review status: criteria provided, single submitter. Criteria: ACMG Guidelines, 2015. Collection method: research. Allele origin: germline. Inheritance: Autosomal recessive inheritance. Affected: yes. Observed: 1 variant allele.
Comment: ACMG/AMP guidelines were applied for SNV/indel interpretation. Final classification: Pathogenic. This variant is a null variant (SPLICE_DONOR) in a gene where loss of function is an established mechanism of disease, supporting PVS1. Analysis of RNA transcripts from a nasal mucosal specimen demonstrated loss of normal splicing and generation of an aberrantly spliced transcript associated with this variant, resulting in exon 57 skipping and a frameshift predicted to disrupt gene function (PMID:39805680), supporting PS3. Evidence (ACMG/AMP codes): PVS1, PS3.

Literature cited by the submitters: PubMed 39805680.

NM_001270974.2(HYDIN):c.9656+1G>A

Gene: HYDIN (HYDIN axonemal central pair apparatus protein; minus strand). Cytogenetic location: 16q22.2.
Variant type: single nucleotide variant.
Coding change: c.9656+1G>A on transcript NM_001270974.2 (MANE Select); the canonical splice donor site of the intron after coding-DNA position 9656, G replaced by A.
Molecular consequence: splice donor variant.
Genome position (GRCh38, 1-based): chr16:70,891,645, C>T on the plus strand (G>A on the coding strand, the complement: HYDIN is on the minus strand). VCF-style: chr16-70891645-C-T. GRCh37 (hg19) VCF-style: chr16-70925548-C-T.
Identifiers: ClinVar variation 4851563 (VCV004851563.2).